The following is an entry in ClinVar:

ClinVar aggregate classification (germline): Uncertain significance. Review status: criteria provided, multiple submitters, no conflicts (2 of 4 stars). 2 submissions from 2 submitters: Uncertain significance (2). Last evaluated 2024-12-03.

Conditions:
Loeys-Dietz syndrome 4 (LDS4). Also called: TGFB2-Related Loeys-Dietz Syndrome; ANEURYSM, AORTIC AND CEREBRAL, WITH ARTERIAL TORTUOSITY AND SKELETAL MANIFESTATIONS. Identifiers: MedGen C3553762, MONDO:0013897, OMIM 614816.
Familial thoracic aortic aneurysm and aortic dissection (TAAD). Also called: Thoracic aortic aneurysms and dissections. Identifiers: Orphanet 91387, MedGen C4707243, MONDO:0019625.

Allele frequency attached by ClinVar (database versions not stated): gnomAD 0.00001; gnomAD exomes 0.00001.
gnomAD v4.1: 4 of 1,614,076 alleles (0.00025%); highest among the groups gnomAD compares: East Asian, 0.0089%; no homozygotes.

Submissions (2):

Ambry Genetics
Classification: Uncertain significance for Familial thoracic aortic aneurysm and aortic dissection. Last evaluated: 2024-12-03. Review status: criteria provided, single submitter. Criteria: Ambry Variant Classification Scheme 2023. Collection method: clinical testing. Allele origin: germline.

Labcorp Genetics (formerly Invitae), Labcorp
Classification: Uncertain significance for Loeys-Dietz syndrome 4. Last evaluated: 2022-03-04. Review status: criteria provided, single submitter. Criteria: Invitae Variant Classification Sherloc (09022015). Collection method: clinical testing. Allele origin: germline.
Comment: This sequence change replaces glutamine, which is neutral and polar, with lysine, which is basic and polar, at codon 155 of the TGFB2 protein (p.Gln155Lys). This variant is present in population databases (no rsID available, gnomAD 0.01%). This variant has not been reported in the literature in individuals affected with TGFB2-related conditions. Advanced modeling of protein sequence and biophysical properties (such as structural, functional, and spatial information, amino acid conservation, physicochemical variation, residue mobility, and thermodynamic stability) performed at Invitae indicates that this missense variant is not expected to disrupt TGFB2 protein function. In summary, the available evidence is currently insufficient to determine the role of this variant in disease. Therefore, it has been classified as a Variant of Uncertain Significance.

NM_003238.6(TGFB2):c.463C>A (p.Gln155Lys)

Gene: TGFB2 (transforming growth factor beta 2; plus strand). Cytogenetic location: 1q41.
Variant type: single nucleotide variant.
Coding change: c.463C>A on transcript NM_003238.6 (MANE Select); coding-DNA position 463, C replaced by A.
Protein change: p.Gln155Lys; replaces glutamine 155 with lysine.
Molecular consequence: missense variant. On other transcripts: non-coding transcript variant (2).
Genome position (GRCh38, 1-based): chr1:218,405,285, C>A. VCF-style: chr1-218405285-C-A. GRCh37 (hg19) VCF-style: chr1-218578627-C-A.
Other names: c.463C>A (NM_003238.3); c.547C>A, p.Gln183Lys (NM_001135599.4); short protein forms Q183K, Q155K.
Identifiers: ClinVar variation 2180279 (VCV002180279.2), dbSNP rs1425658948, ClinGen allele CA344726270.